The following is an entry in ClinVar:

ClinVar aggregate classification (germline): Uncertain significance (1 of 4 stars; one submission).

Conditions:
Multiple endocrine neoplasia, type 2 (MEN2). Identifiers: Orphanet 653, MedGen C4048306, MONDO:0019003. Disease mechanism: gain of function.

Submission:

Labcorp Genetics (formerly Invitae), Labcorp
Classification: Uncertain significance for Multiple endocrine neoplasia, type 2. Last evaluated: 2022-04-22. Review status: criteria provided, single submitter. Criteria: Invitae Variant Classification Sherloc (09022015). Collection method: clinical testing. Allele origin: germline.
Comment: In summary, the available evidence is currently insufficient to determine the role of this variant in disease. Therefore, it has been classified as a Variant of Uncertain Significance. Algorithms developed to predict the effect of sequence changes on RNA splicing suggest that this variant may disrupt the consensus splice site. This variant has not been reported in the literature in individuals affected with RET-related conditions. This variant is not present in population databases (gnomAD no frequency). This sequence change falls in intron 15 of the RET gene. It does not directly change the encoded amino acid sequence of the RET protein.

NM_020975.6(RET):c.2730+16G>T

Gene: RET (ret proto-oncogene; plus strand). Cytogenetic location: 10q11.21.
Variant type: single nucleotide variant.
Coding change: c.2730+16G>T on transcript NM_020975.6 (MANE Select); 16 bases into the intron after coding-DNA position 2730, G replaced by T.
Molecular consequence: intron variant.
Genome position (GRCh38, 1-based): chr10:43,120,219, G>T. VCF-style: chr10-43120219-G-T. GRCh37 (hg19) VCF-style: chr10-43615667-G-T.
Other names: c.2730+16G>T (NM_020630.7, NM_001406743.1, NM_001406744.1 and 2 more transcripts); c.2595+16G>T (NM_001406765.1, NM_001406763.1); c.2334+16G>T (NM_001406772.1, NM_001406769.1); c.2292+16G>T (NM_001406773.1, NM_001406771.1); c.1833+16G>T (NM_001406782.1, NM_001406780.1, NM_001406779.1 and 1 more transcripts); c.1698+16G>T (NM_001406787.1); c.1713+16G>T (NM_001406785.1); c.2601+16G>T (NM_001406764.1, NM_001406762.1, NM_001406761.1); and 10 more.
Identifiers: ClinVar variation 2120462 (VCV002120462.4), dbSNP rs2132965446, ClinGen allele CA2580081522.